The following is an entry in ClinVar:

NM_004655.4(AXIN2):c.1672C>A (p.His558Asn)

Gene: AXIN2 (axin 2; minus strand). Cytogenetic location: 17q24.1.
Variant type: single nucleotide variant.
Coding change: c.1672C>A on transcript NM_004655.4 (MANE Select); coding-DNA position 1672, C replaced by A.
Protein change: p.His558Asn; replaces histidine 558 with asparagine.
Molecular consequence: missense variant.
Genome position (GRCh38, 1-based): chr17:65,537,364, G>T on the plus strand (C>A on the coding strand, the complement: AXIN2 is on the minus strand). VCF-style: chr17-65537364-G-T. GRCh37 (hg19) VCF-style: chr17-63533482-G-T.
Other names: c.1672C>A, p.His558Asn (NM_001363813.1); short protein forms H558N.
Identifiers: ClinVar variation 4188415 (VCV004188415.1).

ClinVar aggregate classification (germline): Uncertain significance (1 of 4 stars; one submission).

Conditions:
Hereditary cancer-predisposing syndrome. Also called: Neoplastic Syndromes, Hereditary; Tumor predisposition; Hereditary Cancer Syndrome; Hereditary neoplastic syndrome. Identifiers: Orphanet 140162, MedGen C0027672, MeSH D009386, MONDO:0015356.

Submission:

Ambry Genetics
Classification: Uncertain significance for Hereditary cancer-predisposing syndrome. Last evaluated: 2025-08-19. Review status: criteria provided, single submitter. Criteria: Ambry Variant Classification Scheme 2023. Collection method: clinical testing. Allele origin: germline.
Comment: The p.H558N variant (also known as c.1672C>A), located in coding exon 5 of the AXIN2 gene, results from a C to A substitution at nucleotide position 1672. The histidine at codon 558 is replaced by asparagine, an amino acid with similar properties. This amino acid position is conserved. In addition, this alteration is predicted to be tolerated by in silico analysis. Based on the available evidence, the clinical significance of this variant remains unclear.